The following is an entry in ClinVar:

NM_000496.3(CRYBB2):c.449C>G (p.Thr150Arg)

Gene: CRYBB2 (crystallin beta B2; plus strand). Cytogenetic location: 22q11.23.
Variant type: single nucleotide variant.
Coding change: c.449C>G on transcript NM_000496.3 (MANE Select); coding-DNA position 449, C replaced by G.
Protein change: p.Thr150Arg; replaces threonine 150 with arginine.
Molecular consequence: missense variant.
Genome position (GRCh38, 1-based): chr22:25,229,578, C>G. VCF-style: chr22-25229578-C-G. GRCh37 (hg19) VCF-style: chr22-25625545-C-G.
Other names: short protein forms T150R.
Identifiers: ClinVar variation 2631627 (VCV002631627.1), dbSNP rs4049504, ClinGen allele CA410988022.

ClinVar aggregate classification (germline): Uncertain significance (1 of 4 stars; one submission).

Conditions:
CRYBB2-related disorder. Also called: CRYBB2-related condition.

Submission:

PreventionGenetics, part of Exact Sciences
Classification: Uncertain significance for CRYBB2-related condition. Last evaluated: 2023-07-31. Review status: criteria provided, single submitter. Criteria: ACMG Guidelines, 2015. Collection method: clinical testing. Allele origin: germline.
Comment: The CRYBB2 c.449C>G variant is predicted to result in the amino acid substitution p.Thr150Arg. This variant is located at the last nucleotide position of exon 5 and may impact splicing at the consensus splice site. To our knowledge, this variant has not been reported in the literature or in a large population database, indicating this variant is rare. At this time, the clinical significance of this variant is uncertain due to the absence of conclusive functional and genetic evidence.